The following is an entry in ClinVar:

NC_000004.11:g.(?_151935559)_(151935794_?)dup

Gene: LRBA (LPS responsive beige-like anchor protein; minus strand). Cytogenetic location: 4q31.3.
Variant type: Duplication.
Identifiers: ClinVar variation 1062648 (VCV001062648.2).

ClinVar aggregate classification (germline): Uncertain significance (1 of 4 stars; one submission).

Conditions:
Combined immunodeficiency due to LRBA deficiency. Also called: Common variable immunodeficiency 8, with autoimmunity. Identifiers: Orphanet 445018, MedGen C3553512, MONDO:0013863, OMIM 614700.

Submission:

Labcorp Genetics (formerly Invitae), Labcorp
Classification: Uncertain significance for Combined immunodeficiency due to LRBA deficiency. Last evaluated: 2021-12-08. Review status: criteria provided, single submitter. Criteria: Invitae Variant Classification Sherloc (09022015). Collection method: clinical testing. Allele origin: germline.
Comment: This variant results in a copy number gain of the genomic region encompassing exon(s) 2 of the LRBA gene. This region includes the initiator codon of the gene. This copy number gain extends beyond the assayed region for this gene and therefore may encompass additional genes. As the precise location of this event is unknown, it may be in tandem or it may be located elsewhere in the genome. This variant has not been reported in the literature in individuals affected with LRBA-related conditions. In summary, the available evidence is currently insufficient to determine the role of this variant in disease. Therefore, it has been classified as a Variant of Uncertain Significance.